The following is an entry in ClinVar:

ClinVar aggregate classification (germline): Uncertain significance. Review status: criteria provided, multiple submitters, no conflicts (2 of 4 stars). 4 submissions from 4 submitters: Uncertain significance (4). Last evaluated 2025-07-19.

Conditions:
Hereditary cancer-predisposing syndrome. Also called: Tumor predisposition; Neoplastic Syndromes, Hereditary; Hereditary neoplastic syndrome; Hereditary Cancer Syndrome. Identifiers: Orphanet 140162, MedGen C0027672, MeSH D009386, MONDO:0015356.

Allele frequency attached by ClinVar (database versions not stated): gnomAD exomes below 0.00001.

Submissions (4):

Ambry Genetics
Classification: Uncertain significance for Hereditary cancer-predisposing syndrome. Last evaluated: 2025-07-19. Review status: criteria provided, single submitter. Criteria: Ambry Variant Classification Scheme 2023. Collection method: clinical testing. Allele origin: germline.
Comment: The p.R79T variant (also known as c.236G>C), located in coding exon 3 of the RAD50 gene, results from a G to C substitution at nucleotide position 236. The arginine at codon 79 is replaced by threonine, an amino acid with similar properties. This amino acid position is conserved. In addition, the in silico prediction for this alteration is inconclusive. Based on the available evidence, the clinical significance of this variant remains unclear.

GeneDx
Classification: Uncertain significance. Last evaluated: 2025-01-28. Review status: criteria provided, single submitter. Criteria: GeneDx Variant Classification Process June 2021. Collection method: clinical testing. Allele origin: germline. Affected: yes.
Comment: Not observed at significant frequency in large population cohorts (gnomAD); In silico analysis supports that this missense variant has a deleterious effect on protein structure/function; Has not been previously published as pathogenic or benign to our knowledge

Quest Diagnostics Nichols Institute San Juan Capistrano
Classification: Uncertain significance. Last evaluated: 2025-01-17. Review status: criteria provided, single submitter. Criteria: Quest Diagnostics criteria. Collection method: clinical testing. Allele origin: unknown.
Comment: The RAD50 c.236G>C (p.Arg79Thr) variant has not been reported in individuals with RAD50-related conditions in the published literature. It also has not been reported in large, multi-ethnic general populations (Genome Aggregation Database). Analysis of this variant using bioinformatics tools for the prediction of the effect of amino acid changes on protein structure and function yielded conflicting predictions that this variant is deleterious or benign. Based on the available information, we are unable to determine the clinical significance of this variant.

Labcorp Genetics (formerly Invitae), Labcorp
Classification: Uncertain significance for Hereditary cancer-predisposing syndrome. Last evaluated: 2020-10-19. Review status: criteria provided, single submitter. Criteria: Invitae Variant Classification Sherloc (09022015). Collection method: clinical testing. Allele origin: germline.
Comment: In summary, the available evidence is currently insufficient to determine the role of this variant in disease. Therefore, it has been classified as a Variant of Uncertain Significance. Algorithms developed to predict the effect of missense changes on protein structure and function are either unavailable or do not agree on the potential impact of this missense change (SIFT: "Tolerated"; PolyPhen-2: "Possibly Damaging"; Align-GVGD: "Class C0"). This variant has not been reported in the literature in individuals with RAD50-related conditions. This variant is not present in population databases (ExAC no frequency). This sequence change replaces arginine with threonine at codon 79 of the RAD50 protein (p.Arg79Thr). The arginine residue is moderately conserved and there is a moderate physicochemical difference between arginine and threonine.

NM_005732.4(RAD50):c.236G>C (p.Arg79Thr)

Gene: RAD50 (RAD50 double strand break repair protein; plus strand). Cytogenetic location: 5q31.1.
Variant type: single nucleotide variant.
Coding change: c.236G>C on transcript NM_005732.4 (MANE Select); coding-DNA position 236, G replaced by C.
Protein change: p.Arg79Thr; replaces arginine 79 with threonine.
Molecular consequence: missense variant.
Genome position (GRCh38, 1-based): chr5:132,575,799, G>C. VCF-style: chr5-132575799-G-C. GRCh37 (hg19) VCF-style: chr5-131911491-G-C.
Other names: c.236G>C (NM_005732.3); short protein forms R79T.
Identifiers: ClinVar variation 1018247 (VCV001018247.13), dbSNP rs1750385905, ClinGen allele CA360930294.